The following is an entry in ClinVar:

ClinVar aggregate classification (germline): Likely benign (1 of 4 stars; one submission).

Allele frequency attached by ClinVar (database versions not stated): 1000 Genomes Project 0.00120; 1000 Genomes Project 30x 0.00141; gnomAD exomes 0.00505.
gnomAD v4.1: 7,664 of 1,579,776 alleles (0.49%); highest among the groups gnomAD compares: Non-Finnish European, 0.6%; 945 homozygotes.

Submission:

CeGaT Center for Human Genetics Tuebingen
Classification: Likely benign. Last evaluated: 2025-02-01. Review status: criteria provided, single submitter. Criteria: CeGaT Center For Human Genetics Tuebingen Variant Classification Criteria Version 2. Collection method: clinical testing. Allele origin: germline. Affected: yes. Observed: 4 variant alleles.
Comment: H3-7: BP4, BP7

NM_001372105.2(H3-7):c.12T>C (p.Thr4=)

Gene: H3-7 (H3.7 histone (putative); minus strand). Cytogenetic location: 1q21.1.
Variant type: single nucleotide variant.
Coding change: c.12T>C on transcript NM_001372105.2 (MANE Select); coding-DNA position 12, T replaced by C.
Protein change: p.Thr4=; no amino-acid change (threonine 4 retained).
Molecular consequence: synonymous variant.
Genome position (GRCh38, 1-based): chr1:143,905,955, A>G on the plus strand (T>C on the coding strand, the complement: H3-7 is on the minus strand). VCF-style: chr1-143905955-A-G. GRCh37 (hg19) VCF-style: chr1-149400531-A-G.
Other names: c.12T>C, p.Thr4= (NM_001355409.3).
Identifiers: ClinVar variation 2639145 (VCV002639145.24), dbSNP rs201929150, ClinGen allele CA1069378.